The following is an entry in ClinVar:

NM_014140.4(SMARCAL1):c.1442T>C (p.Leu481Pro)

Gene: SMARCAL1 (SNF2 related chromatin remodeling annealing helicase 1; plus strand). Cytogenetic location: 2q35.
Variant type: single nucleotide variant.
Coding change: c.1442T>C on transcript NM_014140.4 (MANE Select); coding-DNA position 1442, T replaced by C.
Protein change: p.Leu481Pro; replaces leucine 481 with proline.
Molecular consequence: missense variant.
Genome position (GRCh38, 1-based): chr2:216,432,825, T>C. VCF-style: chr2-216432825-T-C. GRCh37 (hg19) VCF-style: chr2-217297548-T-C.
Other names: c.1442T>C, p.Leu481Pro (NM_001127207.2); short protein forms L481P.
Identifiers: ClinVar variation 1060401 (VCV001060401.9), dbSNP rs2106033691, ClinGen allele CA350500193.

ClinVar aggregate classification (germline): Uncertain significance (1 of 4 stars; one submission).

Conditions:
Schimke immuno-osseous dysplasia (SIOD). Also called: Schimke Immunoosseous Dysplasia. Identifiers: Orphanet 1830, MedGen C0877024, MONDO:0009458, OMIM 242900.

Submission:

Labcorp Genetics (formerly Invitae), Labcorp
Classification: Uncertain significance for Schimke immuno-osseous dysplasia. Last evaluated: 2020-03-31. Review status: criteria provided, single submitter. Criteria: Invitae Variant Classification Sherloc (09022015). Collection method: clinical testing. Allele origin: germline.
Comment: This variant is not present in population databases (ExAC no frequency). In summary, the available evidence is currently insufficient to determine the role of this variant in disease. Therefore, it has been classified as a Variant of Uncertain Significance. Algorithms developed to predict the effect of missense changes on protein structure and function are either unavailable or do not agree on the potential impact of this missense change (SIFT: "Deleterious"; PolyPhen-2: "Probably Damaging"; Align-GVGD: "Class C0"). This variant has not been reported in the literature in individuals with SMARCAL1-related conditions. This sequence change replaces leucine with proline at codon 481 of the SMARCAL1 protein (p.Leu481Pro). The leucine residue is highly conserved and there is a moderate physicochemical difference between leucine and proline.